The following is an entry in ClinVar:

NM_021098.3(CACNA1H):c.3387_3395del (p.Cys1129_Pro1131del)

Gene: CACNA1H (calcium voltage-gated channel subunit alpha1 H; plus strand). Cytogenetic location: 16p13.3.
Variant type: Deletion.
Coding change: c.3387_3395del on transcript NM_021098.3 (MANE Select); coding-DNA positions 3387 to 3395, 9 bases deleted (TGCCCCCTG; older notation c.3387_3395delTGCCCCCTG).
Protein change: p.Cys1129_Pro1131del.
Molecular consequence: inframe deletion.
Genome position (GRCh38, 1-based): chr16:1,209,055-1,209,063, TGCCCCCTG deleted; deleting any 9 consecutive bases within chr16:1,209,050-1,209,063 gives the same sequence; the c. name uses the placement nearest the transcript's 3' end. VCF-style (leftmost placement, unchanged base first): chr16-1209049-TCCCTGTGCC-T. GRCh37 (hg19) VCF-style: chr16-1259049-TCCCTGTGCC-T.
Other names: c.3387_3395del, p.Cys1129_Pro1131del (NM_001005407.2).
Identifiers: ClinVar variation 1061809 (VCV001061809.7), dbSNP rs1255783381, ClinGen allele CA620331082.

ClinVar aggregate classification (germline): Uncertain significance (1 of 4 stars; one submission).

Conditions:
Hyperaldosteronism, familial, type IV (HALD4). Also called: FH IV; ALDOSTERONISM, PRIMARY, AND HYPERTENSION. Identifiers: Orphanet 642671, MedGen C4310756, MONDO:0014875, OMIM 617027.
Idiopathic generalized epilepsy. Also called: EIG; Generalised epilepsy. Identifiers: MedGen C0270850, MONDO:0005579, OMIM 600669.

Submission:

Labcorp Genetics (formerly Invitae), Labcorp
Classification: Uncertain significance for Idiopathic generalized epilepsy; Hyperaldosteronism, familial, type IV. Last evaluated: 2025-03-07. Review status: criteria provided, single submitter. Criteria: Invitae Variant Classification Sherloc (09022015). Collection method: clinical testing. Allele origin: germline.
Comment: This variant, c.3387_3395del, results in the deletion of 3 amino acid(s) of the CACNA1H protein (p.Cys1129_Pro1131del), but otherwise preserves the integrity of the reading frame. This variant is present in population databases (no rsID available, gnomAD 0.02%). This variant has not been reported in the literature in individuals affected with CACNA1H-related conditions. ClinVar contains an entry for this variant (Variation ID: 1061809). Experimental studies and prediction algorithms are not available or were not evaluated, and the functional significance of this variant is currently unknown. In summary, the available evidence is currently insufficient to determine the role of this variant in disease. Therefore, it has been classified as a Variant of Uncertain Significance.